The following is an entry in ClinVar:

ClinVar aggregate classification (germline): Uncertain significance. Review status: criteria provided, multiple submitters, no conflicts (2 of 4 stars). 4 submissions from 4 submitters: Uncertain significance (4). Last evaluated 2024-11-19.

Conditions:
Arrhythmogenic right ventricular dysplasia 8 (ARVD8). Also called: ARRHYTHMOGENIC RIGHT VENTRICULAR CARDIOMYOPATHY 8; Arrhythmogenic Right Ventricular Dysplasia/Cardiomyopathy 8; ARRHYTHMOGENIC RIGHT VENTRICULAR DYSPLASIA, FAMILIAL, 8. Identifiers: MedGen C1843896, MONDO:0011831, OMIM 607450.
Arrhythmogenic cardiomyopathy with wooly hair and keratoderma. Also called: Carvajal syndrome; Arrhythmogenic cardiomyopathy with woolly hair and keratoderma; Dilated cardiomyopathy with woolly hair and keratoderma; PALMOPLANTAR KERATODERMA WITH LEFT VENTRICULAR CARDIOMYOPATHY AND WOOLLY HAIR. Identifiers: Orphanet 65282, MedGen C1854063, MONDO:0011581, OMIM 605676.

Submissions (4):

Women's Health and Genetics/Laboratory Corporation of America, LabCorp
Classification: Uncertain significance. Last evaluated: 2024-11-19. Review status: criteria provided, single submitter. Criteria: LabCorp Variant Classification Summary - May 2015. Collection method: clinical testing. Allele origin: germline.
Comment: Variant summary: DSP c.4226_4228delTAA (p.Ile1409del) results in an in-frame deletion that is predicted to remove one amino acid from the encoded protein. The variant allele was found at a frequency of 1.6e-05 in 251164 control chromosomes. The available data on variant occurrences in the general population are insufficient to allow any conclusion about variant significance. c.4226_4228delTAA has been reported in the literature in at least one individual experiencing sudden unexplained death (e.g. Lin_2017). This report does not provide unequivocal conclusions about association of the variant with Arrhythmogenic Right Ventricular Dysplasia/Cardiomyopathy. To our knowledge, no experimental evidence demonstrating an impact on protein function has been reported. The following publication has been ascertained in the context of this evaluation (PMID: 29247119). ClinVar contains an entry for this variant (Variation ID: 963912). Based on the evidence outlined above, the variant was classified as uncertain significance.

Labcorp Genetics (formerly Invitae), Labcorp
Classification: Uncertain significance for Arrhythmogenic cardiomyopathy with wooly hair and keratoderma; Arrhythmogenic right ventricular dysplasia 8. Last evaluated: 2024-06-06. Review status: criteria provided, single submitter. Criteria: Invitae Variant Classification Sherloc (09022015). Collection method: clinical testing. Allele origin: germline.
Comment: This variant, c.4226_4228del, results in the deletion of 1 amino acid(s) of the DSP protein (p.Ile1409del), but otherwise preserves the integrity of the reading frame. This variant is present in population databases (rs746639284, gnomAD 0.02%). This variant has been observed in individual(s) with DSP-related conditions (PMID: 29247119). ClinVar contains an entry for this variant (Variation ID: 963912). Experimental studies and prediction algorithms are not available or were not evaluated, and the functional significance of this variant is currently unknown. In summary, the available evidence is currently insufficient to determine the role of this variant in disease. Therefore, it has been classified as a Variant of Uncertain Significance.

GeneDx
Classification: Uncertain significance. Last evaluated: 2023-06-15. Review status: criteria provided, single submitter. Criteria: GeneDx Variant Classification Process June 2021. Collection method: clinical testing. Allele origin: germline. Affected: yes.
Comment: In-frame deletion of 1 amino acids in a non-repeat region; In silico analysis supports that this variant does not alter protein structure/function; Identified in a cohort of individuals included for sudden unexplained death, however, additional clinical information was not provided (Lin Y et al., 2017); This variant is associated with the following publications: (PMID: 29247119)

Mayo Clinic Laboratories, Mayo Clinic
Classification: Uncertain significance. Last evaluated: 2021-02-18. Review status: criteria provided, single submitter. Criteria: ACMG Guidelines, 2015. Collection method: clinical testing. Allele origin: germline. Observed: 1 variant allele.

Literature cited by the submitters: PubMed 29247119 (cited by Women's Health and Genetics/Laboratory Corporation of America, LabCorp and Labcorp Genetics (formerly Invitae), Labcorp).

NM_004415.4(DSP):c.4226_4228del (p.Ile1409del)

Gene: DSP (desmoplakin; plus strand). Cytogenetic location: 6p24.3.
Variant type: Deletion.
Coding change: c.4226_4228del on transcript NM_004415.4 (MANE Select); coding-DNA positions 4226 to 4228, 3 bases deleted (TAA; older notation c.4226_4228delTAA).
Protein change: p.Ile1409del; deletes isoleucine 1409.
Molecular consequence: inframe deletion. On other transcripts: intron variant (2).
Genome position (GRCh38, 1-based): chr6:7,580,416-7,580,418, TAA deleted; deleting any 3 consecutive bases within chr6:7,580,414-7,580,418 gives the same sequence; the c. name uses the placement nearest the transcript's 3' end. VCF-style (leftmost placement, unchanged base first): chr6-7580413-AAAT-A. GRCh37 (hg19) VCF-style: chr6-7580646-AAAT-A.
Other names: c.4050+176_4050+178del (NM_001319034.2); c.3582+644_3582+646del (NM_001008844.3); c.4226_4228delTAA (NM_004415.2, NM_004415.4); short protein forms I1409del.
Identifiers: ClinVar variation 963912 (VCV000963912.17), dbSNP rs746639284, ClinGen allele CA040656.
Genomic context (GRCh38, chr6:7,580,413, plus strand): 5'-CCAGTGGCTACCGGGCTCAGATAGACAATCTCACCCGAGAAAACAGGAGCTTATCTGAAG[AAAT>A]AAAGAGGCTGAAGAACACTCTAACCCAGACCACAGAGAATCTCAGGAGGGTGGAAGAAGA-3'